The following is an entry in ClinVar:

ClinVar aggregate classification (germline): Pathogenic/Likely pathogenic. Review status: criteria provided, multiple submitters, no conflicts (2 of 4 stars). 2 submissions from 2 submitters: Pathogenic (1); Likely pathogenic (1). Last evaluated 2023-06-08.

Conditions:
Tricho-dento-osseous syndrome (TDO). Also called: TDO SYNDROME. Identifiers: Orphanet 3352, MedGen C0265333, MONDO:0008592, OMIM 190320.
Inborn genetic diseases. Identifiers: MedGen C0950123, MeSH D030342.

Submissions (2):

Ambry Genetics
Classification: Likely pathogenic for Inborn genetic diseases. Last evaluated: 2023-06-08. Review status: criteria provided, single submitter. Criteria: Ambry Variant Classification Scheme 2023. Collection method: clinical testing. Allele origin: germline.
Comment: The c.534G>C (p.Q178H) alteration is located in exon 3 (coding exon 3) of the DLX3 gene. This alteration results from a G to C substitution at nucleotide position 534, causing the glutamine (Q) at amino acid position 178 to be replaced by a histidine (H). This variant was not reported in population-based cohorts in the Genome Aggregation Database (gnomAD). This variant segregates in an autosomal dominant fashion in a family with clinical features consistent with trichodontoosseous syndrome (Liu, 2022). Another alteration at the same codon, c.533A>G (p.Q178R), has been reported de novo in an individual with clinical features consistent with trichodontoosseous syndrome (Li, 2015). This amino acid position is highly conserved in available vertebrate species. This alteration is predicted to be deleterious by in silico analysis. Based on the available evidence, this alteration is classified as likely pathogenic.

Department of Prosthodontics, Peking University School and Hospital of Stomatology
Classification: Pathogenic for Tricho-dento-osseous syndrome. Last evaluated: 2022-02-09. Review status: criteria provided, single submitter. Criteria: ACMG Guidelines, 2015. Collection method: clinical testing. Allele origin: de novo. Inheritance: Autosomal dominant inheritance. Affected: yes.

Literature cited by the submitters: PubMed 26104267 (cited by Ambry Genetics); PubMed 35714441 (cited by Ambry Genetics).

NM_005220.3(DLX3):c.534G>C (p.Gln178His)

Gene: DLX3 (distal-less homeobox 3; minus strand). Cytogenetic location: 17q21.33.
Variant type: single nucleotide variant.
Coding change: c.534G>C on transcript NM_005220.3 (MANE Select); coding-DNA position 534, G replaced by C.
Protein change: p.Gln178His; replaces glutamine 178 with histidine.
Molecular consequence: missense variant.
Genome position (GRCh38, 1-based): chr17:49,991,847, C>G on the plus strand (G>C on the coding strand, the complement: DLX3 is on the minus strand). VCF-style: chr17-49991847-C-G. GRCh37 (hg19) VCF-style: chr17-48069211-C-G.
Other names: c.534G>C (NM_005220.2); short protein forms Q178H.
Identifiers: ClinVar variation 1341362 (VCV001341362.3), dbSNP rs2144182867, ClinGen allele CA400174825.
Genomic context (GRCh38, chr17:49,991,847, plus strand): 5'-ACTGTGCTCCAGCGGCACCTCCCCGTTCTTGTAGAGTTTCTTGAACTTGGAACGGCGGTT[C>G]TGGAACCAGATTTTCACCTGGGCCAGAGAAGAAAGGGGTAGCTAGTTAGCCTCTCAGAAT-3'
Protein context (NP_005211.1, residues 168-188): LTQTQVKIWF[Gln178His]NRRSKFKKLY